The following is an entry in ClinVar:

ClinVar aggregate classification (germline): Conflicting classifications of pathogenicity. Review status: criteria provided, conflicting classifications (1 of 4 stars). 2 submissions from 2 submitters: Uncertain significance (1); Likely benign (1). Last evaluated 2025-12-24.

Conditions:
Shprintzen-Goldberg syndrome (SGS). Also called: SHPRINTZEN-GOLDBERG CRANIOSYNOSTOSIS SYNDROME; CRANIOSYNOSTOSIS WITH ARACHNODACTYLY AND ABDOMINAL HERNIAS; Marfanoid disorder with craniosynostosis type 1; Marfanoid craniosynostosis syndrome; Shprintzen-Goldberg marfanoid syndrome. Identifiers: Orphanet 2462, MedGen C1321551, MONDO:0008426, OMIM 182212.
Familial thoracic aortic aneurysm and aortic dissection (TAAD). Also called: Thoracic aortic aneurysms and dissections. Identifiers: Orphanet 91387, MedGen C4707243, MONDO:0019625.

Allele frequency attached by ClinVar (database versions not stated): gnomAD 0.00007; TOPMed 0.00007.
gnomAD v4.1: 16 of 1,544,828 alleles (0.001%); highest among the groups gnomAD compares: African/African-American, 0.022%; no homozygotes.

Submissions (2):

Labcorp Genetics (formerly Invitae), Labcorp
Classification: Likely benign for Shprintzen-Goldberg syndrome. Last evaluated: 2025-12-24. Review status: criteria provided, single submitter. Criteria: Invitae Variant Classification Sherloc (09022015). Collection method: clinical testing. Allele origin: germline.

Ambry Genetics
Classification: Uncertain significance for Familial thoracic aortic aneurysm and aortic dissection. Last evaluated: 2025-09-19. Review status: criteria provided, single submitter. Criteria: Ambry Variant Classification Scheme 2023. Collection method: clinical testing. Allele origin: germline.
Comment: The p.R690Q variant (also known as c.2069G>A), located in coding exon 7 of the SKI gene, results from a G to A substitution at nucleotide position 2069. The arginine at codon 690 is replaced by glutamine, an amino acid with highly similar properties. This amino acid position is not well conserved in available vertebrate species. In addition, this alteration is predicted to be tolerated by in silico analysis. Based on the available evidence, the clinical significance of this variant remains unclear.

NM_003036.4(SKI):c.2069G>A (p.Arg690Gln)

Gene: SKI (SKI proto-oncogene; plus strand). Cytogenetic location: 1p36.32.
Variant type: single nucleotide variant.
Coding change: c.2069G>A on transcript NM_003036.4 (MANE Select); coding-DNA position 2069, G replaced by A.
Protein change: p.Arg690Gln; replaces arginine 690 with glutamine.
Molecular consequence: missense variant.
Genome position (GRCh38, 1-based): chr1:2,306,647, G>A. VCF-style: chr1-2306647-G-A. GRCh37 (hg19) VCF-style: chr1-2238086-G-A.
Other names: c.2069G>A (NM_003036.3); short protein forms R690Q.
Identifiers: ClinVar variation 2902212 (VCV002902212.4), dbSNP rs1489798677, ClinGen allele CA337959668.